The following is an entry in ClinVar:

NM_003999.3(OSMR):c.2693A>G (p.Glu898Gly)

Gene: OSMR (oncostatin M receptor; plus strand). Cytogenetic location: 5p13.1.
Variant type: single nucleotide variant.
Coding change: c.2693A>G on transcript NM_003999.3 (MANE Select); coding-DNA position 2693, A replaced by G.
Protein change: p.Glu898Gly; replaces glutamic acid 898 with glycine.
Molecular consequence: missense variant.
Genome position (GRCh38, 1-based): chr5:38,933,197, A>G. VCF-style: chr5-38933197-A-G. GRCh37 (hg19) VCF-style: chr5-38933299-A-G.
Other names: c.2693A>G, p.Glu898Gly (NM_001323505.2); c.2696A>G, p.Glu899Gly (NM_001323506.2); short protein forms E898G, E899G.
Identifiers: ClinVar variation 4849054 (VCV004849054.1).
Genomic context (GRCh38, chr5:38,933,197, plus strand): 5'-CAAAAGCCCCAAGTATGCTGGGACTAATGACCTCACCTGAAAATGTACTAAAGGCACTAG[A>G]AAAAAACTACATGAACTCCCTGGGAGAAATCCCAGCTGGAGAAACAAGTTTGAATTATGT-3'
Protein context (NP_003990.1, residues 888-908): TSPENVLKAL[Glu898Gly]KNYMNSLGEI

ClinVar aggregate classification (germline): Uncertain significance (1 of 4 stars; one submission).

gnomAD v4.1: 17 of 1,614,090 alleles (0.0011%); highest among the groups gnomAD compares: African/African-American, 0.0013%; no homozygotes.

Submission:

Women's Health and Genetics/Laboratory Corporation of America, LabCorp
Classification: Uncertain significance. Last evaluated: 2026-04-27. Review status: criteria provided, single submitter. Criteria: LabCorp Variant Classification Summary - May 2015. Collection method: clinical testing. Allele origin: germline.
Comment: Variant summary: OSMR c.2693A>G (p.Glu898Gly) results in a non-conservative amino acid change in the encoded protein sequence. Algorithms developed to predict the effect of missense changes on protein structure and function are either unavailable or do not agree on the potential impact of this missense change. The variant was absent in 250894 control chromosomes. The available data on variant occurrences in the general population are insufficient to allow any conclusion about variant significance. To our knowledge, no occurrence of c.2693A>G in individuals affected with OSMR-related conditions and no experimental evidence demonstrating its impact on protein function have been reported. No submitters have cited clinical-significance assessments for this variant to ClinVar. Based on the evidence outlined above, the variant was classified as uncertain significance.